The following is an entry in ClinVar:

ClinVar aggregate classification (germline): Uncertain significance (1 of 4 stars; one submission).

Conditions:
Brugada syndrome 6 (BRGDA6). Identifiers: Orphanet 130, MedGen C2751089, MONDO:0013145, OMIM 613119.

Allele frequency attached by ClinVar (database versions not stated): ExAC 0.00001; gnomAD exomes 0.00001; gnomAD 0.00002; TOPMed 0.00002; ESP Exome Variant Server 0.00008.

Submission:

Labcorp Genetics (formerly Invitae), Labcorp
Classification: Uncertain significance for Brugada syndrome 6. Last evaluated: 2024-10-12. Review status: criteria provided, single submitter. Criteria: Invitae Variant Classification Sherloc (09022015). Collection method: clinical testing. Allele origin: germline.
Comment: This sequence change replaces tyrosine, which is neutral and polar, with cysteine, which is neutral and slightly polar, at codon 58 of the KCNE3 protein (p.Tyr58Cys). This variant is present in population databases (rs369134829, gnomAD 0.01%). This variant has not been reported in the literature in individuals affected with KCNE3-related conditions. ClinVar contains an entry for this variant (Variation ID: 2166702). An algorithm developed to predict the effect of missense changes on protein structure and function (PolyPhen-2) suggests that this variant is likely to be disruptive. In summary, the available evidence is currently insufficient to determine the role of this variant in disease. Therefore, it has been classified as a Variant of Uncertain Significance.

NM_005472.5(KCNE3):c.173A>G (p.Tyr58Cys)

Gene: KCNE3 (potassium voltage-gated channel subfamily E regulatory subunit 3; minus strand). Cytogenetic location: 11q13.4.
Variant type: single nucleotide variant.
Coding change: c.173A>G on transcript NM_005472.5 (MANE Select); coding-DNA position 173, A replaced by G.
Protein change: p.Tyr58Cys; replaces tyrosine 58 with cysteine.
Molecular consequence: missense variant.
Genome position (GRCh38, 1-based): chr11:74,457,391, T>C on the plus strand (A>G on the coding strand, the complement: KCNE3 is on the minus strand). VCF-style: chr11-74457391-T-C. GRCh37 (hg19) VCF-style: chr11-74168436-T-C.
Other names: short protein forms Y58C.
Identifiers: ClinVar variation 2166702 (VCV002166702.4), dbSNP rs369134829, ClinGen allele CA6184838.